The following is an entry in ClinVar:

NM_000051.4(ATM):c.6375T>C (p.His2125=)

Genes: ATM (ATM serine/threonine kinase; plus strand), C11orf65 (chromosome 11 open reading frame 65; minus strand). Cytogenetic location: 11q22.3.
Variant type: single nucleotide variant.
Coding change: c.6375T>C on transcript NM_000051.4 (MANE Select); coding-DNA position 6375, T replaced by C.
Protein change: p.His2125=; no amino-acid change (histidine 2125 retained).
Molecular consequence: synonymous variant. On other transcripts: intron variant (2).
Genome position (GRCh38, 1-based): chr11:108,319,981, T>C. VCF-style: chr11-108319981-T-C. GRCh37 (hg19) VCF-style: chr11-108190708-T-C.
Other names: c.6375T>C, p.His2125= (NM_001351834.2); c.641-10910A>G (NM_001330368.2); c.*39-10910A>G (NM_001351110.2).
Identifiers: ClinVar variation 796547 (VCV000796547.16), dbSNP rs1591099942, ClinGen allele CA476676068.

ClinVar aggregate classification (germline): Benign/Likely benign. Review status: criteria provided, multiple submitters, no conflicts (2 of 4 stars). 3 submissions from 3 submitters: Benign (1); Likely benign (2). Last evaluated 2024-08-07.

Conditions:
Familial cancer of breast. Also called: Hereditary breast cancer; BREAST CANCER, FAMILIAL; hereditary breast carcinoma. Identifiers: Orphanet 227535, MedGen C0346153, MONDO:0016419, OMIM 114480. Disease mechanism: loss of function.
Hereditary cancer-predisposing syndrome. Also called: Tumor predisposition; Neoplastic Syndromes, Hereditary; Hereditary Cancer Syndrome; Hereditary neoplastic syndrome. Identifiers: Orphanet 140162, MedGen C0027672, MeSH D009386, MONDO:0015356.
Ataxia-telangiectasia syndrome (AT). Also called: ATAXIA-TELANGIECTASIA, COMPLEMENTATION GROUP A; ATAXIA-TELANGIECTASIA, FRESNO VARIANT; Ataxia-telangiectasia; Ataxia-telangiectasia, complementation group D; AT, COMPLEMENTATION GROUP C; Ataxia-telangiectasia, complementation group E. Identifiers: Orphanet 100, MedGen C0004135, MONDO:0008840, OMIM 208900.

Allele frequency attached by ClinVar (database versions not stated): gnomAD exomes below 0.00001; TOPMed below 0.00001.
gnomAD v4.1: 4 of 1,612,630 alleles (0.00025%); highest among the groups gnomAD compares: Non-Finnish European, 0.00034%; no homozygotes.

Submissions (3):

Labcorp Genetics (formerly Invitae), Labcorp
Classification: Likely benign for Ataxia-telangiectasia syndrome. Last evaluated: 2024-08-07. Review status: criteria provided, single submitter. Criteria: Invitae Variant Classification Sherloc (09022015). Collection method: clinical testing. Allele origin: germline.

Myriad Genetics, Inc.
Classification: Benign for Familial cancer of breast. Last evaluated: 2024-06-06. Review status: criteria provided, single submitter. Criteria: Myriad Autosomal Dominant, Autosomal Recessive and X-Linked Classification Criteria (2023). Collection method: clinical testing. Allele origin: unknown.
Comment: This variant is considered benign. This variant is a silent/synonymous amino acid change and it is not expected to impact splicing.

Ambry Genetics
Classification: Likely benign for Hereditary cancer-predisposing syndrome. Last evaluated: 2019-05-06. Review status: criteria provided, single submitter. Criteria: Ambry Variant Classification Scheme 2023. Collection method: clinical testing. Allele origin: germline.